The following is an entry in ClinVar:

NM_005050.4(ABCD4):c.565A>G (p.Ser189Gly)

Gene: ABCD4 (ATP binding cassette subfamily D member 4; minus strand). Cytogenetic location: 14q24.3.
Variant type: single nucleotide variant.
Coding change: c.565A>G on transcript NM_005050.4 (MANE Select); coding-DNA position 565, A replaced by G.
Protein change: p.Ser189Gly; replaces serine 189 with glycine.
Molecular consequence: missense variant. On other transcripts: 5 prime UTR variant (9), non-coding transcript variant (10), intron variant (2).
Genome position (GRCh38, 1-based): chr14:74,295,957, T>C on the plus strand (A>G on the coding strand, the complement: ABCD4 is on the minus strand). VCF-style: chr14-74295957-T-C. GRCh37 (hg19) VCF-style: chr14-74762660-T-C.
Other names: c.304A>G, p.Ser102Gly (NM_001353593.2, NM_001353594.2); c.151A>G, p.Ser51Gly (NM_001353595.2, NM_001353596.2, NM_001353597.2); c.88A>G, p.Ser30Gly (NM_001353598.2, NM_001353599.2, NM_001353600.2 and 2 more transcripts); c.-130A>G (NM_001353602.2, NM_001353603.2, NM_001353604.2 and 6 more transcripts); c.565A>G, p.Ser189Gly (NM_020325.3); c.542+376A>G (NM_001353591.2, NM_001353592.2); short protein forms S102G, S30G, S51G, S189G.
Identifiers: ClinVar variation 646672 (VCV000646672.13), dbSNP rs183607306, ClinGen allele CA7267152.
Genomic context (GRCh38, chr14:74,295,957, plus strand): 5'-CAATGGGGCCCATCAAAGTTTTGTTCACCACGGTCCCCAGGATGAAATACCCGAAGATGC[T>C]CACAGGCCCGAGCCAGCCTGTGCTGAAATAGAGAGAGAGGGAGAGAAGGGAGAGGGTGTG-3'
Protein context (NP_005041.1, residues 179-199): FQSTGWLGPV[Ser189Gly]IFGYFILGTV

ClinVar aggregate classification (germline): Uncertain significance. Review status: criteria provided, multiple submitters, no conflicts (2 of 4 stars). 4 submissions from 4 submitters: Uncertain significance (4). Last evaluated 2025-11-08.

Conditions:
Methylmalonic acidemia with homocystinuria, type cblJ (MAHCJ). Also called: METHYLMALONIC ACIDURIA AND HOMOCYSTINURIA, cblJ TYPE. Identifiers: Orphanet 369955, MedGen C3553915, MONDO:0013925, OMIM 614857.
Inborn genetic diseases. Identifiers: MedGen C0950123, MeSH D030342.

Allele frequency attached by ClinVar (database versions not stated): ESP Exome Variant Server 0.00008; ExAC 0.00013; gnomAD 0.00015 and 0.00016; gnomAD exomes 0.00015 and 0.00018; TOPMed 0.00015; 1000 Genomes Project 30x 0.00016; 1000 Genomes Project 0.00020.
gnomAD v4.1: 283 of 1,611,310 alleles (0.018%); highest among the groups gnomAD compares: Non-Finnish European, 0.021%; no homozygotes.

Submissions (4):

Ambry Genetics
Classification: Uncertain significance for Inborn genetic diseases. Last evaluated: 2025-11-08. Review status: criteria provided, single submitter. Criteria: Ambry Variant Classification Scheme 2023. Collection method: clinical testing. Allele origin: germline.

Blueprint Genetics
Classification: Uncertain significance. Last evaluated: 2024-11-26. Review status: criteria provided, single submitter. Criteria: ACMG Guidelines, 2015. Collection method: clinical testing. Allele origin: germline.

Women's Health and Genetics/Laboratory Corporation of America, LabCorp
Classification: Uncertain significance. Last evaluated: 2024-03-11. Review status: criteria provided, single submitter. Criteria: LabCorp Variant Classification Summary - May 2015. Collection method: clinical testing. Allele origin: germline.

Labcorp Genetics (formerly Invitae), Labcorp
Classification: Uncertain significance for Methylmalonic acidemia with homocystinuria, type cblJ. Last evaluated: 2022-07-14. Review status: criteria provided, single submitter. Criteria: Invitae Variant Classification Sherloc (09022015). Collection method: clinical testing. Allele origin: germline.
Comment: In summary, the available evidence is currently insufficient to determine the role of this variant in disease. Therefore, it has been classified as a Variant of Uncertain Significance. Algorithms developed to predict the effect of missense changes on protein structure and function (SIFT, PolyPhen-2, Align-GVGD) all suggest that this variant is likely to be tolerated. ClinVar contains an entry for this variant (Variation ID: 646672). This variant has not been reported in the literature in individuals affected with ABCD4-related conditions. This variant is present in population databases (rs183607306, gnomAD 0.02%). This sequence change replaces serine, which is neutral and polar, with glycine, which is neutral and non-polar, at codon 189 of the ABCD4 protein (p.Ser189Gly).